The following is an entry in ClinVar:

NM_177438.3(DICER1):c.2257-7A>T

Gene: DICER1 (dicer 1, ribonuclease III; minus strand). Cytogenetic location: 14q32.13.
Variant type: single nucleotide variant.
Coding change: c.2257-7A>T on transcript NM_177438.3 (MANE Select); 7 bases into the intron before coding-DNA position 2257, A replaced by T.
Molecular consequence: intron variant.
Genome position (GRCh38, 1-based): chr14:95,108,510, T>A on the plus strand (A>T on the coding strand, the complement: DICER1 is on the minus strand). VCF-style: chr14-95108510-T-A. GRCh37 (hg19) VCF-style: chr14-95574847-T-A.
Other names: c.2257-7A>T (NM_001291628.2, NM_030621.4, NM_001395677.1 and 12 more transcripts); c.1852-7A>T (NM_001395690.1, NM_001395687.1, NM_001395689.1 and 2 more transcripts); c.1975-7A>T (NM_001395686.1); c.1690-7A>T (NM_001395691.1); c.574-7A>T (NM_001395697.1).
Identifiers: ClinVar variation 2756907 (VCV002756907.4), dbSNP rs1891665514, ClinGen allele CA2697554104.
Genomic context (GRCh38, chr14:95,108,510, plus strand): 5'-CAGGTAACAGGGCTGATCAGGTCTGGGATAACTATCCCTCAAACACTCTGGAATCTAGAG[T>A]TGGAAAGGAAAATTAAGCGTCATGCTCAAGCATATTAGCCTCTTTTCCAGATGTCAGCAA-3'

ClinVar aggregate classification (germline): Likely benign. Review status: criteria provided, multiple submitters, no conflicts (2 of 4 stars). 2 submissions from 2 submitters: Likely benign (2). Last evaluated 2026-04-13.

Conditions:
DICER1-related tumor predisposition. Also called: DICER1-related pleuropulmonary blastoma cancer predisposition syndrome; DICER1 syndrome. Identifiers: Orphanet 284343, MedGen C3839822, MONDO:0100216.

Submissions (2):

Myriad Genetics, Inc.
Classification: Likely benign for DICER1-related tumor predisposition. Last evaluated: 2026-04-13. Review status: criteria provided, single submitter. Criteria: Myriad Autosomal Dominant, Autosomal Recessive and X-Linked Classification Criteria (2023). Collection method: clinical testing. Allele origin: unknown.
Comment: This variant is considered likely benign. This variant is intronic and is not expected to impact mRNA splicing.

Labcorp Genetics (formerly Invitae), Labcorp
Classification: Likely benign for DICER1-related tumor predisposition. Last evaluated: 2023-08-31. Review status: criteria provided, single submitter. Criteria: Invitae Variant Classification Sherloc (09022015). Collection method: clinical testing. Allele origin: germline.